The following is an entry in ClinVar:

ClinVar aggregate classification (germline): Conflicting classifications of pathogenicity. Review status: criteria provided, conflicting classifications (1 of 4 stars). 2 submissions from 2 submitters: Uncertain significance (1); Likely benign (1). Last evaluated 2024-01-01.

Conditions:
Baller-Gerold syndrome (BGS). Also called: CRANIOSYNOSTOSIS WITH RADIAL DEFECTS. Identifiers: Orphanet 1225, MedGen C0265308, MONDO:0009039, OMIM 218600.

Allele frequency attached by ClinVar (database versions not stated): gnomAD exomes below 0.00001 and 0.00001; gnomAD 0.00001; TOPMed 0.00002.
gnomAD v4.1: 4 of 1,609,704 alleles (0.00025%); highest among the groups gnomAD compares: South Asian, 0.0011%; no homozygotes.

Submissions (2):

CeGaT Center for Human Genetics Tuebingen
Classification: Uncertain significance. Last evaluated: 2024-01-01. Review status: criteria provided, single submitter. Criteria: CeGaT Center For Human Genetics Tuebingen Variant Classification Criteria Version 2. Collection method: clinical testing. Allele origin: germline. Affected: yes. Observed: 1 variant allele.
Comment: RECQL4: PM2, BP4

Labcorp Genetics (formerly Invitae), Labcorp
Classification: Likely benign for Baller-Gerold syndrome. Last evaluated: 2023-11-08. Review status: criteria provided, single submitter. Criteria: Invitae Variant Classification Sherloc (09022015). Collection method: clinical testing. Allele origin: germline.

NM_004260.4(RECQL4):c.1131+8A>G

Gene: RECQL4 (RecQ like helicase 4; minus strand). Cytogenetic location: 8q24.3.
Variant type: single nucleotide variant.
Coding change: c.1131+8A>G on transcript NM_004260.4 (MANE Select); 8 bases into the intron after coding-DNA position 1131, A replaced by G.
Molecular consequence: intron variant.
Genome position (GRCh38, 1-based): chr8:144,515,980, T>C on the plus strand (A>G on the coding strand, the complement: RECQL4 is on the minus strand). VCF-style: chr8-144515980-T-C. GRCh37 (hg19) VCF-style: chr8-145741364-T-C.
Identifiers: ClinVar variation 764138 (VCV000764138.31), dbSNP rs932213064, ClinGen allele CA187688239.